The following is an entry in ClinVar:

NC_000017.10:g.(?_61994669)_(61996359_?)dup

Gene: GH1 (growth hormone 1; minus strand). Cytogenetic location: 17q23.3.
Variant type: Duplication.
Identifiers: ClinVar variation 2423183 (VCV002423183.3).

ClinVar aggregate classification (germline): Uncertain significance (1 of 4 stars; one submission).

Submission:

Labcorp Genetics (formerly Invitae), Labcorp
Classification: Uncertain significance. Last evaluated: 2023-12-09. Review status: criteria provided, single submitter. Criteria: Invitae Variant Classification Sherloc (09022015). Collection method: clinical testing. Allele origin: germline.
Comment: A copy number gain of the genomic region encompassing the full coding sequence of the GH1 gene has been identified. The boundaries of this event are unknown as they extend beyond the assayed region for this gene and therefore may encompass additional genes. As the precise location of this event is unknown, it may be in tandem or it may be located elsewhere in the genome. This variant has not been reported in the literature in individuals affected with GH1-related conditions. In summary, the available evidence is currently insufficient to determine the role of this variant in disease. Therefore, it has been classified as a Variant of Uncertain Significance.